The following is an entry in ClinVar:

ClinVar aggregate classification (germline): Uncertain significance (1 of 4 stars; one submission).

Conditions:
Hereditary cancer-predisposing syndrome. Also called: Neoplastic Syndromes, Hereditary; Tumor predisposition; Hereditary Cancer Syndrome; Hereditary neoplastic syndrome. Identifiers: Orphanet 140162, MedGen C0027672, MeSH D009386, MONDO:0015356.

Submission:

Ambry Genetics
Classification: Uncertain significance for Hereditary cancer-predisposing syndrome. Last evaluated: 2022-05-26. Review status: criteria provided, single submitter. Criteria: Ambry Variant Classification Scheme 2023. Collection method: clinical testing. Allele origin: germline.
Comment: The p.M720I variant (also known as c.2160G>T), located in coding exon 15 of the APC gene, results from a G to T substitution at nucleotide position 2160. The methionine at codon 720 is replaced by isoleucine, an amino acid with highly similar properties. This amino acid position is conserved. In addition, in silico predictors for this gene do not accurately predict pathogenicity. Since supporting evidence is limited at this time, the clinical significance of this alteration remains unclear.

NM_000038.6(APC):c.2160G>T (p.Met720Ile)

Gene: APC (APC regulator of Wnt signaling pathway; plus strand). Cytogenetic location: 5q22.2.
Variant type: single nucleotide variant.
Coding change: c.2160G>T on transcript NM_000038.6 (MANE Select); coding-DNA position 2160, G replaced by T.
Protein change: p.Met720Ile; replaces methionine 720 with isoleucine.
Molecular consequence: missense variant.
Genome position (GRCh38, 1-based): chr5:112,837,754, G>T. VCF-style: chr5-112837754-G-T. GRCh37 (hg19) VCF-style: chr5-112173451-G-T.
Other names: c.2160G>T, p.Met720Ile (NM_001127510.3, NM_001354895.2, NM_001407450.1); c.2106G>T, p.Met702Ile (NM_001127511.3); c.2214G>T, p.Met738Ile (NM_001354896.2, NM_001407447.1, NM_001407448.1 and 1 more transcripts); c.2190G>T, p.Met730Ile (NM_001354897.2); c.2085G>T, p.Met695Ile (NM_001354898.2); c.2076G>T, p.Met692Ile (NM_001354899.2); c.2037G>T, p.Met679Ile (NM_001354900.2); c.1983G>T, p.Met661Ile (NM_001354901.2, NM_001407453.1); and 11 more; short protein forms M679I, M702I, M710I, M437I, M619I, M738I, M748I, M591I.
Identifiers: ClinVar variation 1786911 (VCV001786911.2), dbSNP rs1283428855, ClinGen allele CA16026062.
Genomic context (GRCh38, chr5:112,837,754, plus strand): 5'-CATGGGGGCAGTTAGCATGCTCAAGAACCTCATTCATTCAAAGCACAAAATGATTGCTAT[G>T]GGAAGTGCTGCAGCTTTAAGGAATCTCATGGCAAATAGGCCTGCGAAGTACAAGGATGCC-3'
Protein context (NP_000029.2, residues 710-730): LIHSKHKMIA[Met720Ile]GSAAALRNLM